The following is an entry in ClinVar:

NM_001048174.2(MUTYH):c.1286G>T (p.Gly429Val)

Gene: MUTYH (mutY DNA glycosylase; minus strand). Cytogenetic location: 1p34.1.
Variant type: single nucleotide variant.
Coding change: c.1286G>T on transcript NM_001048174.2 (MANE Select); coding-DNA position 1286, G replaced by T.
Protein change: p.Gly429Val; replaces glycine 429 with valine.
Molecular consequence: missense variant. On other transcripts: non-coding transcript variant (7).
Genome position (GRCh38, 1-based): chr1:45,331,288, C>A on the plus strand (G>T on the coding strand, the complement: MUTYH is on the minus strand). VCF-style: chr1-45331288-C-A. GRCh37 (hg19) VCF-style: chr1-45796960-C-A.
Other names: c.1286G>T, p.Gly429Val (NM_001048173.2, NM_001293195.2, NM_001407070.1 and 6 more transcripts); c.1370G>T, p.Gly457Val (NM_001128425.2); c.1331G>T, p.Gly444Val (NM_001293190.2); c.1319G>T, p.Gly440Val (NM_001293191.2, NM_001407069.1, NM_001407077.1); c.1010G>T, p.Gly337Val (NM_001293192.2, NM_001293196.2, NM_001407091.1); c.941G>T, p.Gly314Val (NM_001350650.2, NM_001350651.2, NM_001407082.1); c.1289G>T, p.Gly430Val (NM_001407071.1, NM_001048172.2, NM_001407078.1 and 1 more transcripts); c.1202G>T, p.Gly401Val (NM_001407075.1); and 5 more; short protein forms G314V, G337V, G415V, G416V, G444V, G457V, G401V, G430V.
Identifiers: ClinVar variation 4112863 (VCV004112863.1).

ClinVar aggregate classification (germline): Uncertain significance (1 of 4 stars; one submission).

Conditions:
Hereditary cancer-predisposing syndrome. Also called: Tumor predisposition; Neoplastic Syndromes, Hereditary; Hereditary neoplastic syndrome; Hereditary Cancer Syndrome. Identifiers: Orphanet 140162, MedGen C0027672, MeSH D009386, MONDO:0015356.

Submission:

Ambry Genetics
Classification: Uncertain significance for Hereditary cancer-predisposing syndrome. Last evaluated: 2025-08-27. Review status: criteria provided, single submitter. Criteria: Ambry Variant Classification Scheme 2023. Collection method: clinical testing. Allele origin: germline.
Comment: The p.G457V variant (also known as c.1370G>T), located in coding exon 14 of the MUTYH gene, results from a G to T substitution at nucleotide position 1370. The glycine at codon 457 is replaced by valine, an amino acid with dissimilar properties. This amino acid position is conserved. In addition, this alteration is predicted to be tolerated by in silico analysis. Based on the available evidence, the clinical significance of this variant remains unclear.